The following is an entry in ClinVar:

NM_173537.5(GTF2IRD2):c.630C>T (p.Cys210=)

Genes: GTF2IRD2 (GTF2I repeat domain containing 2; minus strand), LOC106029312 (Williams-Beuren syndrome medial block B recombination region; plus strand). Cytogenetic location: 7q11.23.
Variant type: single nucleotide variant.
Coding change: c.630C>T on transcript NM_173537.5 (MANE Select); coding-DNA position 630, C replaced by T.
Protein change: p.Cys210=; no amino-acid change (cysteine 210 retained).
Molecular consequence: synonymous variant. On other transcripts: non-coding transcript variant (8).
Genome position (GRCh38, 1-based): chr7:74,819,594, G>A on the plus strand (C>T on the coding strand, the complement: GTF2IRD2 is on the minus strand). VCF-style: chr7-74819594-G-A. GRCh37 (hg19) VCF-style: chr7-74234124-G-A.
Other names: c.1116C>T, p.Cys372= (NM_001368300.2); c.630C>T, p.Cys210= (NM_001388079.1, NM_001388080.1, NM_001388081.1 and 5 more transcripts); c.417C>T, p.Cys139= (NM_001388083.1); c.120C>T, p.Cys40= (NM_001388085.1, NM_001388086.1, NM_001388460.1 and 1 more transcripts).
Identifiers: ClinVar variation 2657603 (VCV002657603.24), dbSNP rs1407166470, ClinGen allele CA842174560.

ClinVar aggregate classification (germline): Likely benign (1 of 4 stars; one submission).

Allele frequency attached by ClinVar (database versions not stated): TOPMed 0.00011; 1000 Genomes Project 30x 0.00047.

Submission:

CeGaT Center for Human Genetics Tuebingen
Classification: Likely benign. Last evaluated: 2022-07-01. Review status: criteria provided, single submitter. Criteria: CeGaT Center For Human Genetics Tuebingen Variant Classification Criteria Version 2. Collection method: clinical testing. Allele origin: germline. Affected: yes. Observed: 1 variant allele.
Comment: GTF2IRD2: BP4, BP7